The following is an entry in ClinVar:

NM_001244008.2(KIF1A):c.1177G>C (p.Asp393His)

Gene: KIF1A (kinesin family member 1A; minus strand). Cytogenetic location: 2q37.3.
Variant type: single nucleotide variant.
Coding change: c.1177G>C on transcript NM_001244008.2 (MANE Select); coding-DNA position 1177, G replaced by C.
Protein change: p.Asp393His; replaces aspartic acid 393 with histidine.
Molecular consequence: missense variant.
Genome position (GRCh38, 1-based): chr2:240,773,117, C>G on the plus strand (G>C on the coding strand, the complement: KIF1A is on the minus strand). VCF-style: chr2-240773117-C-G. GRCh37 (hg19) VCF-style: chr2-241712534-C-G.
Other names: c.1177G>C, p.Asp393His (NM_001320705.2, NM_001330289.2, NM_001330290.2 and 20 more transcripts); short protein forms D393H.
Identifiers: ClinVar variation 846748 (VCV000846748.11), dbSNP rs1469725451, ClinGen allele CA351294817.
Genomic context (GRCh38, chr2:240,773,117, plus strand): 5'-GCCCCTGAGCCTGAGGCCCCACAACCCTGTCCAGGACAGGCTGGAGCAGGCACTCACTGT[C>G]AGTGATGTCGCCAAGACCCTGGGCGTACAGAAGGTCCCGCAGCCGGGTCACCTCATCCTT-3'
Protein context (NP_001230937.1, residues 383-403): LYAQGLGDIT[Asp393His]TNTVPGGPKL

ClinVar aggregate classification (germline): Uncertain significance. Review status: criteria provided, multiple submitters, no conflicts (2 of 4 stars). 2 submissions from 2 submitters: Uncertain significance (2). Last evaluated 2024-09-04.

Conditions:
Hereditary spastic paraplegia 30. Identifiers: Orphanet 101010, MedGen C5235139, MONDO:0012476.
Neuropathy, hereditary sensory, type 2C. Also called: KIF1A-Related HSAN2 (HSAN2C); Hereditary sensory and autonomic neuropathy type IIC. Identifiers: Orphanet 970, MedGen C3280168, MONDO:0013634, OMIM 614213.
Intellectual disability, autosomal dominant 9 (NESCAVS). Also called: KIF1A-Related Neurodevelopmental Disorder; NESCAV SYNDROME. Identifiers: Orphanet 662367, MedGen C5393830, MONDO:0013656, OMIM 614255.

Allele frequency attached by ClinVar (database versions not stated): gnomAD exomes below 0.00001 and 0.00003; gnomAD 0.00001; TOPMed 0.00001.
gnomAD v4.1: 48 of 1,611,634 alleles (0.003%); highest among the groups gnomAD compares: Non-Finnish European, 0.0039%; no homozygotes.

Submissions (2):

Labcorp Genetics (formerly Invitae), Labcorp
Classification: Uncertain significance for Hereditary spastic paraplegia 30; Neuropathy, hereditary sensory, type 2C; Intellectual disability, autosomal dominant 9. Last evaluated: 2024-09-04. Review status: criteria provided, single submitter. Criteria: Invitae Variant Classification Sherloc (09022015). Collection method: clinical testing. Allele origin: germline.
Comment: This sequence change replaces aspartic acid, which is acidic and polar, with histidine, which is basic and polar, at codon 393 of the KIF1A protein (p.Asp393His). This variant is present in population databases (no rsID available, gnomAD 0.0009%). This variant has not been reported in the literature in individuals affected with KIF1A-related conditions. ClinVar contains an entry for this variant (Variation ID: 846748). Invitae Evidence Modeling of protein sequence and biophysical properties (such as structural, functional, and spatial information, amino acid conservation, physicochemical variation, residue mobility, and thermodynamic stability) indicates that this missense variant is expected to disrupt KIF1A protein function with a positive predictive value of 95%. In summary, the available evidence is currently insufficient to determine the role of this variant in disease. Therefore, it has been classified as a Variant of Uncertain Significance.

Blueprint Genetics
Classification: Uncertain significance. Last evaluated: 2020-05-05. Review status: criteria provided, single submitter. Criteria: ACMG Guidelines, 2015. Collection method: clinical testing. Allele origin: germline.